The following is an entry in ClinVar:

ClinVar aggregate classification (germline): Benign/Likely benign. Review status: criteria provided, multiple submitters, no conflicts (2 of 4 stars). 3 submissions from 3 submitters: Benign (2); Likely benign (1). Last evaluated 2025-07-01.

Allele frequency attached by ClinVar (database versions not stated): 1000 Genomes Project 0.00180; 1000 Genomes Project 30x 0.00187; ESP Exome Variant Server 0.00339; TOPMed 0.00364; ExAC 0.00438; gnomAD 0.00480 and 0.00496; gnomAD exomes 0.00500 and 0.00596.
gnomAD v4.1: 9,341 of 1,612,350 alleles (0.58%); highest among the groups gnomAD compares: Non-Finnish European, 0.64%; 42 homozygotes.

Submissions (3):

CeGaT Center for Human Genetics Tuebingen
Classification: Likely benign. Last evaluated: 2025-07-01. Review status: criteria provided, single submitter. Criteria: CeGaT Center For Human Genetics Tuebingen Variant Classification Criteria Version 2. Collection method: clinical testing. Allele origin: germline. Affected: yes. Observed: 1 variant allele.
Comment: TP53BP1: BP4, BP7, BS2

Labcorp Genetics (formerly Invitae), Labcorp
Classification: Benign. Last evaluated: 2018-07-02. Review status: criteria provided, single submitter. Criteria: Invitae Variant Classification Sherloc (09022015). Collection method: clinical testing. Allele origin: germline.

Breakthrough Genomics
Classification: Benign. Review status: criteria provided, single submitter. Criteria: ACMG Guidelines, 2015. Collection method: not provided. Allele origin: germline. Inheritance: Unknown mechanism. Affected: yes.

NM_001141980.3(TP53BP1):c.2250T>A (p.Ala750=)

Gene: TP53BP1 (tumor protein p53 binding protein 1; minus strand). Cytogenetic location: 15q15.3.
Variant type: single nucleotide variant.
Coding change: c.2250T>A on transcript NM_001141980.3 (MANE Select); coding-DNA position 2250, T replaced by A.
Protein change: p.Ala750=; no amino-acid change (alanine 750 retained).
Molecular consequence: synonymous variant. On other transcripts: 5 prime UTR variant (1).
Genome position (GRCh38, 1-based): chr15:43,456,358, A>T on the plus strand (T>A on the coding strand, the complement: TP53BP1 is on the minus strand). VCF-style: chr15-43456358-A-T. GRCh37 (hg19) VCF-style: chr15-43748556-A-T.
Other names: c.2250T>A, p.Ala750= (NM_001141979.3); c.-780T>A (NM_001355001.2); c.2235T>A, p.Ala745= (NM_005657.4).
Identifiers: ClinVar variation 778491 (VCV000778491.12), dbSNP rs28903075, ClinGen allele CA7525214.